The following is an entry in ClinVar:

NM_001378457.1(DMXL2):c.2153C>T (p.Pro718Leu)

Gene: DMXL2 (Dmx like 2; minus strand). Cytogenetic location: 15q21.2.
Variant type: single nucleotide variant.
Coding change: c.2153C>T on transcript NM_001378457.1 (MANE Select); coding-DNA position 2153, C replaced by T.
Protein change: p.Pro718Leu; replaces proline 718 with leucine.
Molecular consequence: missense variant. On other transcripts: non-coding transcript variant (2).
Genome position (GRCh38, 1-based): chr15:51,536,327, G>A on the plus strand (C>T on the coding strand, the complement: DMXL2 is on the minus strand). VCF-style: chr15-51536327-G-A. GRCh37 (hg19) VCF-style: chr15-51828524-G-A.
Other names: c.2153C>T, p.Pro718Leu (NM_001174116.3, NM_001174117.3, NM_001378458.1 and 6 more transcripts); c.1913C>T, p.Pro638Leu (NM_001378464.1); short protein forms P718L, P638L.
Identifiers: ClinVar variation 1992556 (VCV001992556.4), dbSNP rs1311542176, ClinGen allele CA392442663.
Genomic context (GRCh38, chr15:51,536,327, plus strand): 5'-TATGACAAAGGTCCTATTGGGTCTACACGCCACAGAATAAGTTCACTGTAGATTGCATTT[G>A]GGTCATGAAATGTACGAGTTGCTGCATTTCTAAGAGGTTGTTTCGAGGAACCTTTTATAT-3'
Protein context (NP_001365386.1, residues 708-728): RNAATRTFHD[Pro718Leu]NAIYSELILW

ClinVar aggregate classification (germline): Uncertain significance (1 of 4 stars; one submission).

Submission:

Labcorp Genetics (formerly Invitae), Labcorp
Classification: Uncertain significance. Last evaluated: 2022-05-09. Review status: criteria provided, single submitter. Criteria: Invitae Variant Classification Sherloc (09022015). Collection method: clinical testing. Allele origin: germline.
Comment: In summary, the available evidence is currently insufficient to determine the role of this variant in disease. Therefore, it has been classified as a Variant of Uncertain Significance. Algorithms developed to predict the effect of missense changes on protein structure and function are either unavailable or do not agree on the potential impact of this missense change (SIFT: "Deleterious"; PolyPhen-2: "Probably Damaging"; Align-GVGD: "Class C0"). This variant has not been reported in the literature in individuals affected with DMXL2-related conditions. This variant is not present in population databases (gnomAD no frequency). This sequence change replaces proline, which is neutral and non-polar, with leucine, which is neutral and non-polar, at codon 718 of the DMXL2 protein (p.Pro718Leu).